The following is an entry in ClinVar:

ClinVar aggregate classification (germline): Likely benign. Review status: criteria provided, multiple submitters, no conflicts (2 of 4 stars). 4 submissions from 4 submitters: Likely benign (4). Last evaluated 2025-06-23.

Conditions:
Baraitser-Winter syndrome 1 (BRWS1). Also called: PACHYGYRIA, MENTAL RETARDATION, EPILEPSY, AND CHARACTERISTIC FACIES; MENTAL RETARDATION WITH EPILEPSY AND CHARACTERISTIC FACIES; Cerebrofrontofacial syndrome; BARAITSER-WINTER SYNDROME 1, ATYPICAL. Identifiers: Orphanet 2649, Orphanet 2995, MedGen C1855722, MONDO:0009470, OMIM 243310.

Allele frequency attached by ClinVar (database versions not stated): gnomAD exomes 0.00003; ExAC 0.00004; gnomAD 0.00005; TOPMed 0.00008.

Submissions (4):

Labcorp Genetics (formerly Invitae), Labcorp
Classification: Likely benign for Baraitser-Winter syndrome 1. Last evaluated: 2025-06-23. Review status: criteria provided, single submitter. Criteria: Invitae Variant Classification Sherloc (09022015). Collection method: clinical testing. Allele origin: germline.

Mayo Clinic Laboratories, Mayo Clinic
Classification: Likely benign. Last evaluated: 2025-04-15. Review status: criteria provided, single submitter. Criteria: ACMG Guidelines, 2015. Collection method: clinical testing. Allele origin: germline. Observed: 1 variant allele.
Comment: BP4, BP7

Blueprint Genetics
Classification: Likely benign. Last evaluated: 2024-07-05. Review status: criteria provided, single submitter. Criteria: ACMG Guidelines, 2015. Collection method: clinical testing. Allele origin: germline.

GeneDx
Classification: Likely benign. Last evaluated: 2019-04-08. Review status: criteria provided, single submitter. Criteria: GeneDx Variant Classification Process June 2021. Collection method: clinical testing. Allele origin: germline. Affected: yes.

NM_001101.5(ACTB):c.93C>T (p.Phe31=)

Gene: ACTB (actin beta; minus strand). Cytogenetic location: 7p22.1.
Variant type: single nucleotide variant.
Coding change: c.93C>T on transcript NM_001101.5 (MANE Select); coding-DNA position 93, C replaced by T.
Protein change: p.Phe31=; no amino-acid change (phenylalanine 31 retained).
Molecular consequence: synonymous variant.
Genome position (GRCh38, 1-based): chr7:5,529,565, G>A on the plus strand (C>T on the coding strand, the complement: ACTB is on the minus strand). VCF-style: chr7-5529565-G-A. GRCh37 (hg19) VCF-style: chr7-5569196-G-A.
Other names: p.Phe31=; c.93C>T (LRG_132t1).
Identifiers: ClinVar variation 390871 (VCV000390871.13), dbSNP rs748892906, ClinGen allele CA4147197.